The following is an entry in ClinVar:

NM_001199138.2(NLRC4):c.1528G>A (p.Ala510Thr)

Gene: NLRC4 (NLR family CARD domain containing 4; minus strand). Cytogenetic location: 2p22.3.
Variant type: single nucleotide variant.
Coding change: c.1528G>A on transcript NM_001199138.2 (MANE Select); coding-DNA position 1528, G replaced by A.
Protein change: p.Ala510Thr; replaces alanine 510 with threonine.
Molecular consequence: missense variant. On other transcripts: intron variant (1).
Genome position (GRCh38, 1-based): chr2:32,250,336, C>T on the plus strand (G>A on the coding strand, the complement: NLRC4 is on the minus strand). VCF-style: chr2-32250336-C-T. GRCh37 (hg19) VCF-style: chr2-32475405-C-T.
Other names: p.Ala510Thr; c.1528G>A, p.Ala510Thr (NM_001199139.2, NM_021209.5); c.262+2083G>A (NM_001302504.1); short protein forms A510T.
Identifiers: ClinVar variation 1598719 (VCV001598719.9), dbSNP rs199646963, ClinGen allele CA1601979.

ClinVar aggregate classification (germline): Conflicting classifications of pathogenicity. Review status: criteria provided, conflicting classifications (1 of 4 stars). 2 submissions from 2 submitters: Uncertain significance (1); Benign (1). Last evaluated 2024-09-17.

Conditions:
Periodic fever-infantile enterocolitis-autoinflammatory syndrome. Also called: Autoinflammation with infantile enterocolitis. Identifiers: Orphanet 436166, MedGen C4015067, MONDO:0014472, OMIM 616050.
Familial cold autoinflammatory syndrome 4 (FCAS4). Identifiers: Orphanet 47045, Orphanet 576349, MedGen C4015276, MONDO:0014498, OMIM 616115.

Allele frequency attached by ClinVar (database versions not stated): TOPMed 0.00001; gnomAD exomes 0.00002 and 0.00001; ExAC 0.00001; 1000 Genomes Project 30x 0.00016; 1000 Genomes Project 0.00020.
gnomAD v4.1: 31 of 1,614,170 alleles (0.0019%); highest among the groups gnomAD compares: East Asian, 0.0022%; no homozygotes.

Submissions (2):

Mayo Clinic Laboratories, Mayo Clinic
Classification: Uncertain significance. Last evaluated: 2024-09-17. Review status: criteria provided, single submitter. Criteria: ACMG Guidelines, 2015. Collection method: clinical testing. Allele origin: germline. Observed: 1 variant allele.
Comment: BP4, PM2

Labcorp Genetics (formerly Invitae), Labcorp
Classification: Benign for Periodic fever-infantile enterocolitis-autoinflammatory syndrome; Familial cold autoinflammatory syndrome 4. Last evaluated: 2024-01-23. Review status: criteria provided, single submitter. Criteria: Invitae Variant Classification Sherloc (09022015). Collection method: clinical testing. Allele origin: germline.